The following is an entry in ClinVar:

ClinVar aggregate classification (germline): Pathogenic/Likely pathogenic. Review status: criteria provided, multiple submitters, no conflicts (2 of 4 stars). 5 submissions from 5 submitters: Pathogenic (3); Likely pathogenic (2). Last evaluated 2026-05-17.

Conditions:
Autosomal dominant pseudohypoaldosteronism type 1. Also called: PHA I, AUTOSOMAL DOMINANT; Pseudohypoaldosteronism, Type I, Dominant; Pseudohypoaldosteronism, Type I, Autosomal Dominant. Identifiers: Orphanet 171871, Orphanet 756, MedGen C1449842, MONDO:0008329, OMIM 177735.
NR3C2-related disorder. Also called: NR3C2-related condition; NR3C2-related disorders.
Inborn genetic diseases. Identifiers: MedGen C0950123, MeSH D030342.

Allele frequency attached by ClinVar (database versions not stated): gnomAD exomes below 0.00001.
gnomAD v4.1: 1 of 1,613,010 alleles (0.000062%); highest among the groups gnomAD compares: Non-Finnish European, 0.000085%; no homozygotes.

Submissions (6):

PreventionGenetics, part of Exact Sciences
Classification: Pathogenic for NR3C2-related condition. Last evaluated: 2026-05-17. Review status: criteria provided, single submitter. Criteria: ACMG Guidelines, 2015. Collection method: clinical testing. Allele origin: germline.
Comment: The NR3C2 c.2799+1G>A variant is predicted to disrupt the GT donor site and interfere with normal splicing. This variant has been reported in at least two families to be causative for autosomal dominant pseudohypoaldosteronism type I (Pujo et al 2007. PubMed ID: 16972228). This variant was also reported as maternally-inherited in an individual with autism spectrum disorder (Table 2, Hu et al. 2023. PubMed ID: 37007974). This variant has not been reported in gnomAD, indicating this variant is rare. Variants that disrupt the consensus splice donor site in NR3C2 are expected to be pathogenic. This variant is interpreted as pathogenic.

Labcorp Genetics (formerly Invitae), Labcorp
Classification: Likely pathogenic. Last evaluated: 2025-09-10. Review status: criteria provided, single submitter. Criteria: Invitae Variant Classification Sherloc (09022015). Collection method: clinical testing. Allele origin: germline.
Comment: This sequence change affects a donor splice site in intron 8 of the NR3C2 gene. While this variant is not anticipated to result in nonsense mediated decay, it likely alters RNA splicing and results in a disrupted protein product. This variant is not present in population databases (gnomAD no frequency). Disruption of this splice site has been observed in individual(s) with pseudohypoaldosteronism type I (PMID: 16972228). In at least one individual the variant was observed to be de novo. ClinVar contains an entry for this variant (Variation ID: 3042426). Variants that disrupt the consensus splice site are a relatively common cause of aberrant splicing (PMID: 17576681, 9536098). Algorithms developed to predict the effect of sequence changes on RNA splicing suggest that this variant may disrupt the consensus splice site. In summary, the currently available evidence indicates that the variant is pathogenic, but additional data are needed to prove that conclusively. Therefore, this variant has been classified as Likely Pathogenic.

GeneDx
Classification: Pathogenic. Last evaluated: 2025-04-24. Review status: criteria provided, single submitter. Criteria: GeneDx Variant Classification Process June 2021. Collection method: clinical testing. Allele origin: germline. Affected: yes.
Comment: Identified in an individual with autism spectrum disorder; however this individual also had a variant in another gene that could be contributing to their presentation (PMID: 37007974); Canonical splice site variant predicted to result in a null allele in a gene for which loss of function is a known mechanism of disease; Not observed at significant frequency in large population cohorts (gnomAD); This variant is associated with the following publications: (PMID: 25525159, 37007974, 16972228)

Johns Hopkins Genomics, Johns Hopkins University
Classification: Pathogenic for Autosomal dominant pseudohypoaldosteronism type 1. Last evaluated: 2024-06-30. Review status: criteria provided, single submitter. Criteria: ACMG Guidelines, 2015. Collection method: clinical testing. Allele origin: germline.
Comment: This NR3C2 variant is rare (<0.1%) in a large population dataset (gnomADv4.1.1: 1/1613010 total alleles; 0.00006%; no homozygotes) and has been reported in ClinVar. This variant was identified in at least two unrelated families with pseudohypoaldosteronism type I, including one de novo occurrence. This nucleotide position is strongly conserved across the vertebrate species accessed. This variant disrupts the canonical splice donor site of intron 8 and is predicted to effect mRNA splicing. We consider c.2799+1G>A to be pathogenic for autosomal dominant pseudohypoaldosteronism type I.

Ambry Genetics
Classification: Likely pathogenic for Inborn genetic diseases. Last evaluated: 2024-02-02. Review status: criteria provided, single submitter. Criteria: Ambry Variant Classification Scheme 2023. Collection method: clinical testing. Allele origin: germline.
Comment: The c.2799+1G>A intronic variant results from a G to A substitution one nucleotide after coding exon 7 of the NR3C2 gene. Alterations that disrupt the canonical splice site are expected to cause aberrant splicing, resulting in an abnormal protein or a transcript that is subject to nonsense-mediated mRNA decay. This variant was not reported in population-based cohorts in the Genome Aggregation Database (gnomAD). This alteration was reported in multiple unrelated individuals with pseudohypoaldosteronism type 1, including one case of reported de novo occurrence (Pujo, 2007). This nucleotide position is highly conserved in available vertebrate species. In silico splice site analysis predicts that this alteration will weaken the native splice donor site. Based on the available evidence, this alteration is classified as likely pathogenic.

Dr. Peter K. Rogan Lab, Western University
No classification provided (evidence only). Condition: Cervical cancer. Review status: no classification provided. Collection method: in vitro. Allele origin: not applicable. Functional consequence: retained intron. Not counted in ClinVar's aggregate classification.

Literature cited by the submitters: PubMed 16972228 (cited by 3 submitters); PubMed 17576681 (cited by Labcorp Genetics (formerly Invitae), Labcorp); PubMed 9536098 (cited by Labcorp Genetics (formerly Invitae), Labcorp); PubMed 9662404 (cited by Johns Hopkins Genomics, Johns Hopkins University).

NM_000901.5(NR3C2):c.2799+1G>A

Gene: NR3C2 (nuclear receptor subfamily 3 group C member 2; minus strand). Cytogenetic location: 4q31.23.
Variant type: single nucleotide variant.
Coding change: c.2799+1G>A on transcript NM_000901.5 (MANE Select); the canonical splice donor site of the intron after coding-DNA position 2799, G replaced by A.
Molecular consequence: splice donor variant.
Genome position (GRCh38, 1-based): chr4:148,114,103, C>T on the plus strand (G>A on the coding strand, the complement: NR3C2 is on the minus strand). VCF-style: chr4-148114103-C-T. GRCh37 (hg19) VCF-style: chr4-149035254-C-T.
Other names: NC_000004.11:g.149035254C>T; c.2448+1G>A (NM_001354819.1, NM_001166104.2).
Identifiers: ClinVar variation 3042426 (VCV003042426.8), dbSNP rs2530538343, ClinGen allele CA358427293.